The following is an entry in ClinVar:

ClinVar aggregate classification (germline): Uncertain significance (1 of 4 stars; one submission).

Conditions:
Cardiac arrhythmia. Also called: Arrhythmia; Cardiac rhythm disease. Identifiers: MedGen C0003811, MONDO:0007263, HP:0011675.

Submission:

Labcorp Genetics (formerly Invitae), Labcorp
Classification: Uncertain significance for Cardiac arrhythmia. Last evaluated: 2025-10-28. Review status: criteria provided, single submitter. Criteria: Invitae Variant Classification Sherloc (09022015). Collection method: clinical testing. Allele origin: germline.
Comment: This sequence change replaces glutamine, which is neutral and polar, with histidine, which is basic and polar, at codon 116 of the RANGRF protein (p.Gln116His). This variant is not present in population databases (gnomAD no frequency). This variant has not been reported in the literature in individuals affected with RANGRF-related conditions. An algorithm developed to predict the effect of missense changes on protein structure and function outputs the following: PolyPhen-2: "Benign". The histidine amino acid residue is found in multiple mammalian species, which suggests that this missense change does not adversely affect protein function. In summary, the available evidence is currently insufficient to determine the role of this variant in disease. Therefore, it has been classified as a Variant of Uncertain Significance.

NM_016492.5(RANGRF):c.348G>T (p.Gln116His)

Genes: RANGRF (RAN guanine nucleotide release factor; plus strand), SLC25A35 (solute carrier family 25 member 35; minus strand). Cytogenetic location: 17p13.1.
Variant type: single nucleotide variant.
Coding change: c.348G>T on transcript NM_016492.5 (MANE Select); coding-DNA position 348, G replaced by T.
Protein change: p.Gln116His; replaces glutamine 116 with histidine.
Molecular consequence: missense variant. On other transcripts: 3 prime UTR variant (2), non-coding transcript variant (1), intron variant (1).
Genome position (GRCh38, 1-based): chr17:8,289,411, G>T. VCF-style: chr17-8289411-G-T. GRCh37 (hg19) VCF-style: chr17-8192729-G-T.
Other names: c.*205C>A (NM_201520.3); c.*42+163C>A (NM_001320871.2); c.348G>T, p.Gln116His (NM_001330127.2, NM_001177801.2, NM_001177802.2); c.*72C>A (NM_001320872.2); short protein forms Q116H.
Identifiers: ClinVar variation 4807875 (VCV004807875.1).